The following is an entry in ClinVar:

ClinVar aggregate classification (germline): Uncertain significance. Review status: criteria provided, multiple submitters, no conflicts (2 of 4 stars). 2 submissions from 2 submitters: Uncertain significance (2). Last evaluated 2024-08-19.

Allele frequency attached by ClinVar (database versions not stated): TOPMed below 0.00001; gnomAD exomes 0.00001; ESP Exome Variant Server 0.00008.
gnomAD v4.1: 10 of 1,607,452 alleles (0.00062%); highest among the groups gnomAD compares: Admixed American, 0.0017%; no homozygotes.

Submissions (2):

Blueprint Genetics
Classification: Uncertain significance. Last evaluated: 2024-08-19. Review status: criteria provided, single submitter. Criteria: ACMG Guidelines, 2015. Collection method: clinical testing. Allele origin: germline.

Labcorp Genetics (formerly Invitae), Labcorp
Classification: Uncertain significance. Last evaluated: 2021-08-28. Review status: criteria provided, single submitter. Criteria: Invitae Variant Classification Sherloc (09022015). Collection method: clinical testing. Allele origin: germline.
Comment: This sequence change replaces tyrosine with cysteine at codon 544 of the GPAA1 protein (p.Tyr544Cys). The tyrosine residue is moderately conserved and there is a large physicochemical difference between tyrosine and cysteine. This variant is not present in population databases (ExAC no frequency). This variant has not been reported in the literature in individuals affected with GPAA1-related conditions. Algorithms developed to predict the effect of missense changes on protein structure and function output the following: SIFT: "Tolerated"; PolyPhen-2: "Benign"; Align-GVGD: "Class C0". The cysteine amino acid residue is found in multiple mammalian species, which suggests that this missense change does not adversely affect protein function. In summary, the available evidence is currently insufficient to determine the role of this variant in disease. Therefore, it has been classified as a Variant of Uncertain Significance.

NM_003801.4(GPAA1):c.1631A>G (p.Tyr544Cys)

Gene: GPAA1 (glycosylphosphatidylinositol anchor attachment 1; plus strand). Cytogenetic location: 8q24.3.
Variant type: single nucleotide variant.
Coding change: c.1631A>G on transcript NM_003801.4 (MANE Select); coding-DNA position 1631, A replaced by G.
Protein change: p.Tyr544Cys; replaces tyrosine 544 with cysteine.
Molecular consequence: missense variant.
Genome position (GRCh38, 1-based): chr8:144,085,890, A>G. VCF-style: chr8-144085890-A-G. GRCh37 (hg19) VCF-style: chr8-145140793-A-G.
Other names: short protein forms Y544C.
Identifiers: ClinVar variation 1352970 (VCV001352970.6), dbSNP rs368069552, ClinGen allele CA187610918.